The following is an entry in ClinVar:

NM_001122752.2(SERPINI1):c.1103C>T (p.Pro368Leu)

Gene: SERPINI1 (serpin family I member 1; plus strand). Cytogenetic location: 3q26.1.
Variant type: single nucleotide variant.
Coding change: c.1103C>T on transcript NM_001122752.2 (MANE Select); coding-DNA position 1103, C replaced by T.
Protein change: p.Pro368Leu; replaces proline 368 with leucine.
Molecular consequence: missense variant.
Genome position (GRCh38, 1-based): chr3:167,824,509, C>T. VCF-style: chr3-167824509-C-T. GRCh37 (hg19) VCF-style: chr3-167542297-C-T.
Other names: c.1103C>T, p.Pro368Leu (NM_005025.5); short protein forms P368L.
Identifiers: ClinVar variation 4743671 (VCV004743671.1).

ClinVar aggregate classification (germline): Uncertain significance (1 of 4 stars; one submission).

Conditions:
Familial encephalopathy with neuroserpin inclusion bodies. Also called: ENCEPHALOPATHY, FAMILIAL, WITH COLLINS BODIES. Identifiers: Orphanet 85110, MedGen C1858680, MONDO:0011412, OMIM 604218.

Submission:

Labcorp Genetics (formerly Invitae), Labcorp
Classification: Uncertain significance for Familial encephalopathy with neuroserpin inclusion bodies. Last evaluated: 2025-03-26. Review status: criteria provided, single submitter. Criteria: Invitae Variant Classification Sherloc (09022015). Collection method: clinical testing. Allele origin: germline.
Comment: This sequence change replaces proline, which is neutral and non-polar, with leucine, which is neutral and non-polar, at codon 368 of the SERPINI1 protein (p.Pro368Leu). This variant is not present in population databases (gnomAD no frequency). This variant has not been reported in the literature in individuals affected with SERPINI1-related conditions. Invitae Evidence Modeling of protein sequence and biophysical properties (such as structural, functional, and spatial information, amino acid conservation, physicochemical variation, residue mobility, and thermodynamic stability) indicates that this missense variant is not expected to disrupt SERPINI1 protein function with a negative predictive value of 80%. In summary, the available evidence is currently insufficient to determine the role of this variant in disease. Therefore, it has been classified as a Variant of Uncertain Significance.